The following is an entry in ClinVar:

ClinVar aggregate classification (germline): Benign (1 of 4 stars; one submission).

Submission:

Laboratory for Molecular Medicine, Mass General Brigham Personalized Medicine
Classification: Benign. Last evaluated: 2016-03-28. Review status: criteria provided, single submitter. Criteria: LMM Criteria. Collection method: clinical testing. Allele origin: germline.
Comment: Variant identified in a genome or exome case(s) and assessed due to predicted null impact of the variant or pathogenic assertions in the literature or databases. Disclaimer: This variant has not undergone full assessment. The following are preliminary notes: MAF

NC_000014.9:g.22771506GCA[5]

Genes: OXA1L (OXA1L mitochondrial inner membrane insertase; plus strand), SLC7A7 (solute carrier family 7 member 7; minus strand). Cytogenetic location: 14q11.2.
Variant type: Microsatellite.
Molecular consequence: inframe insertion (on NM_005015.5).
Genome position: GRCh38 VCF-style: chr14-22771504-T-TAGC. GRCh37 (hg19) VCF-style: chr14-23240713-T-TAGC.
Other names: NM_001126105.2:c.*2103_*2105dupGCT; c.1256GCA[5], p.Ser422dup (NM_005015.5).
Identifiers: ClinVar variation 403461 (VCV000403461.4), dbSNP rs148216086, ClinGen allele CA7104293.